The following is an entry in ClinVar:

NM_001364857.2(ADGRB2):c.395_403dup (p.Glu134_Ala135insGluAlaGlu)

Gene: ADGRB2 (adhesion G protein-coupled receptor B2; minus strand). Cytogenetic location: 1p35.2.
Variant type: Duplication.
Coding change: c.395_403dup on transcript NM_001364857.2 (MANE Select); coding-DNA positions 395 to 403, 9 bases duplicated (AGGCAGAGG; older notation c.395_403dupAGGCAGAGG).
Protein change: p.Glu134_Ala135insGluAlaGlu.
Molecular consequence: inframe insertion.
Genome position (GRCh38, 1-based): chr1:31,756,434-31,756,442, CCTCTGCCT duplicated on the plus strand (AGGCAGAGG on the coding strand, the reverse complement: ADGRB2 is on the minus strand); duplicating any 9 consecutive bases within chr1:31,756,434-31,756,446 gives the same sequence; the c. name uses the placement nearest the transcript's 3' end. VCF-style (leftmost placement, unchanged base first): chr1-31756433-G-GCCTCTGCCT. GRCh37 (hg19) VCF-style: chr1-32222034-G-GCCTCTGCCT.
Other names: c.395_403dup, p.Glu134_Ala135insGluAlaGlu (NM_001294335.2, NM_001294336.2).
Identifiers: ClinVar variation 4693641 (VCV004693641.1).

ClinVar aggregate classification (germline): Uncertain significance (1 of 4 stars; one submission).

Submission:

Labcorp Genetics (formerly Invitae), Labcorp
Classification: Uncertain significance. Last evaluated: 2025-11-25. Review status: criteria provided, single submitter. Criteria: Invitae Variant Classification Sherloc (09022015). Collection method: clinical testing. Allele origin: germline.
Comment: This variant, c.395_403dup, results in the insertion of 3 amino acid(s) of the ADGRB2 protein (p.Glu132_Glu134dup), but otherwise preserves the integrity of the reading frame. This variant is present in population databases (rs749320192, gnomAD 0.003%). This variant has not been reported in the literature in individuals affected with ADGRB2-related conditions. Experimental studies and prediction algorithms are not available or were not evaluated, and the functional significance of this variant is currently unknown. In summary, the available evidence is currently insufficient to determine the role of this variant in disease. Therefore, it has been classified as a Variant of Uncertain Significance.